The following is an entry in ClinVar:

NM_000426.4(LAMA2):c.4199G>A (p.Arg1400Gln)

Gene: LAMA2 (laminin subunit alpha 2; plus strand). Cytogenetic location: 6q22.33.
Variant type: single nucleotide variant.
Coding change: c.4199G>A on transcript NM_000426.4 (MANE Select); coding-DNA position 4199, G replaced by A.
Protein change: p.Arg1400Gln; replaces arginine 1400 with glutamine.
Molecular consequence: missense variant.
Genome position (GRCh38, 1-based): chr6:129,328,300, G>A. VCF-style: chr6-129328300-G-A. GRCh37 (hg19) VCF-style: chr6-129649445-G-A.
Other names: c.4199G>A, p.Arg1400Gln (NM_001079823.2); short protein forms R1400Q.
Identifiers: ClinVar variation 565806 (VCV000565806.6), dbSNP rs760541670, ClinGen allele CA3993479.
Genomic context (GRCh38, chr6:129,328,300, plus strand): 5'-CTAACTTTGCTGTCCTAATTGGCTTCCTTTTCTTTCAGGCATGCTTGCCGGGATTTTATC[G>A]ACTGCGTTCTCAACCAGGTGGCCGCACCCCTGGACCAACCCTGGGCACCTGTGTTCCATG-3'
Protein context (NP_000417.3, residues 1390-1410): SCEACLPGFY[Arg1400Gln]LRSQPGGRTP

ClinVar aggregate classification (germline): Uncertain significance (1 of 4 stars; one submission).

Conditions:
LAMA2-related muscular dystrophy (LAMA2-RD). Also called: Laminin alpha 2-related dystrophy. Identifiers: MedGen C5679788, MONDO:0100228.

Allele frequency attached by ClinVar (database versions not stated): ExAC 0.00001; gnomAD exomes 0.00001.
gnomAD v4.1: 13 of 1,613,890 alleles (0.00081%); highest among the groups gnomAD compares: African/African-American, 0.004%; no homozygotes.

Submission:

Labcorp Genetics (formerly Invitae), Labcorp
Classification: Uncertain significance for LAMA2-related muscular dystrophy. Last evaluated: 2022-06-30. Review status: criteria provided, single submitter. Criteria: Invitae Variant Classification Sherloc (09022015). Collection method: clinical testing. Allele origin: germline.
Comment: This sequence change replaces arginine, which is basic and polar, with glutamine, which is neutral and polar, at codon 1400 of the LAMA2 protein (p.Arg1400Gln). The frequency data for this variant in the population databases is considered unreliable, as metrics indicate poor data quality at this position in the gnomAD database. This variant has not been reported in the literature in individuals affected with LAMA2-related conditions. ClinVar contains an entry for this variant (Variation ID: 565806). Advanced modeling of protein sequence and biophysical properties (such as structural, functional, and spatial information, amino acid conservation, physicochemical variation, residue mobility, and thermodynamic stability) performed at Invitae indicates that this missense variant is not expected to disrupt LAMA2 protein function. In summary, the available evidence is currently insufficient to determine the role of this variant in disease. Therefore, it has been classified as a Variant of Uncertain Significance.